The following is an entry in ClinVar:

ClinVar aggregate classification (germline): Pathogenic (1 of 4 stars; one submission).

Conditions:
X-linked lymphoproliferative disease due to XIAP deficiency. Also called: XIAP DEFICIENCY; XIAP-Related Lymphoproliferative Disease, X-Linked. Identifiers: Orphanet 2442, Orphanet 538934, MedGen C1845076, MONDO:0010385, OMIM 300635.

Allele frequency attached by ClinVar (database versions not stated): TOPMed below 0.00001.

Submission:

Labcorp Genetics (formerly Invitae), Labcorp
Classification: Pathogenic for X-linked lymphoproliferative disease due to XIAP deficiency. Last evaluated: 2020-05-27. Review status: criteria provided, single submitter. Criteria: Invitae Variant Classification Sherloc (09022015). Collection method: clinical testing. Allele origin: germline.
Comment: This sequence change creates a premature translational stop signal (p.Arg238*) in the XIAP gene. It is expected to result in an absent or disrupted protein product. This variant is not present in population databases (ExAC no frequency). This variant has been reported in two individuals affected with X-linked lymphoproliferative syndrome (PMID: 20015872, 24084330). This variant is also known as 840C>T in the literature. Loss-of-function variants in XIAP are known to be pathogenic (PMID: 17080092, 21119115, 25666262). For these reasons, this variant has been classified as Pathogenic.

Literature cited by the submitters: PubMed 20015872; PubMed 24084330; PubMed 17080092; PubMed 21119115; PubMed 25666262.

NM_001167.4(XIAP):c.712C>T (p.Arg238Ter)

Gene: XIAP (X-linked inhibitor of apoptosis; plus strand). Cytogenetic location: Xq25.
Variant type: single nucleotide variant.
Coding change: c.712C>T on transcript NM_001167.4 (MANE Select); coding-DNA position 712, C replaced by T.
Protein change: p.Arg238Ter; replaces arginine 238 with a stop codon.
Molecular consequence: nonsense.
Genome position (GRCh38, 1-based): chrX:123,886,374, C>T. VCF-style: chrX-123886374-C-T. GRCh37 (hg19) VCF-style: chrX-123020224-C-T.
Other names: c.712C>T, p.Arg238Ter (NM_001204401.2, NM_001378590.1, NM_001378591.1 and 1 more transcripts); short protein forms R238*.
Identifiers: ClinVar variation 568305 (VCV000568305.8), dbSNP rs111978474, ClinGen allele CA335076491.